The following is an entry in ClinVar:

ClinVar aggregate classification (germline): Likely benign. Review status: criteria provided, multiple submitters, no conflicts (2 of 4 stars). 2 submissions from 2 submitters: Likely benign (2). Last evaluated 2026-06-01.

Allele frequency attached by ClinVar (database versions not stated): gnomAD 0.00006 and 0.00007; ExAC 0.00008; TOPMed 0.00010.
gnomAD v4.1: 149 of 1,613,582 alleles (0.0092%); highest among the groups gnomAD compares: Admixed American, 0.027%; no homozygotes.

Submissions (2):

CeGaT Center for Human Genetics Tuebingen
Classification: Likely benign. Last evaluated: 2026-06-01. Review status: criteria provided, single submitter. Criteria: CeGaT Center For Human Genetics Tuebingen Variant Classification Criteria Version 2. Collection method: clinical testing. Allele origin: germline. Affected: yes. Observed: 4 variant alleles.
Comment: KMT2B: BP4, BP7

Labcorp Genetics (formerly Invitae), Labcorp
Classification: Likely benign. Last evaluated: 2025-06-29. Review status: criteria provided, single submitter. Criteria: Invitae Variant Classification Sherloc (09022015). Collection method: clinical testing. Allele origin: germline.

NM_014727.3(KMT2B):c.5889G>A (p.Pro1963=)

Gene: KMT2B (lysine methyltransferase 2B; plus strand). Cytogenetic location: 19q13.12.
Variant type: single nucleotide variant.
Coding change: c.5889G>A on transcript NM_014727.3 (MANE Select); coding-DNA position 5889, G replaced by A.
Protein change: p.Pro1963=; no amino-acid change (proline 1963 retained).
Molecular consequence: synonymous variant.
Genome position (GRCh38, 1-based): chr19:35,732,438, G>A. VCF-style: chr19-35732438-G-A. GRCh37 (hg19) VCF-style: chr19-36223339-G-A.
Identifiers: ClinVar variation 1298758 (VCV001298758.40), dbSNP rs775753855, ClinGen allele CA9385560.